The following is an entry in ClinVar:

NM_001199753.2(CPT1C):c.489G>A (p.Met163Ile)

Gene: CPT1C (carnitine palmitoyltransferase 1C; plus strand). Cytogenetic location: 19q13.33.
Variant type: single nucleotide variant.
Coding change: c.489G>A on transcript NM_001199753.2 (MANE Select); coding-DNA position 489, G replaced by A.
Protein change: p.Met163Ile; replaces methionine 163 with isoleucine.
Molecular consequence: missense variant. On other transcripts: non-coding transcript variant (1).
Genome position (GRCh38, 1-based): chr19:49,701,352, G>A. VCF-style: chr19-49701352-G-A. GRCh37 (hg19) VCF-style: chr19-50204609-G-A.
Other names: c.489G>A, p.Met163Ile (NM_001136052.3, NM_001199752.3, NM_001378482.1 and 7 more transcripts); short protein forms M163I.
Identifiers: ClinVar variation 595024 (VCV000595024.8), dbSNP rs369825557, ClinGen allele CA9581816.

ClinVar aggregate classification (germline): Uncertain significance. Review status: criteria provided, multiple submitters, no conflicts (2 of 4 stars). 2 submissions from 2 submitters: Uncertain significance (2). Last evaluated 2025-02-10.

Conditions:
Hereditary spastic paraplegia 73. Also called: Spastic paraplegia 73, autosomal dominant. Identifiers: Orphanet 444099, MedGen C5568981, MONDO:0014568, OMIM 616282.

Allele frequency attached by ClinVar (database versions not stated): gnomAD 0.00001; ESP Exome Variant Server 0.00008; TOPMed 0.00002; ExAC 0.00003; gnomAD exomes 0.00002.

Submissions (2):

Labcorp Genetics (formerly Invitae), Labcorp
Classification: Uncertain significance for Hereditary spastic paraplegia 73. Last evaluated: 2025-02-10. Review status: criteria provided, single submitter. Criteria: Invitae Variant Classification Sherloc (09022015). Collection method: clinical testing. Allele origin: germline.
Comment: This sequence change replaces methionine, which is neutral and non-polar, with isoleucine, which is neutral and non-polar, at codon 163 of the CPT1C protein (p.Met163Ile). The frequency data for this variant in the population databases is considered unreliable, as metrics indicate poor data quality at this position in the gnomAD database. This variant has not been reported in the literature in individuals affected with CPT1C-related conditions. ClinVar contains an entry for this variant (Variation ID: 595024). Invitae Evidence Modeling of protein sequence and biophysical properties (such as structural, functional, and spatial information, amino acid conservation, physicochemical variation, residue mobility, and thermodynamic stability) indicates that this missense variant is not expected to disrupt CPT1C protein function with a negative predictive value of 80%. In summary, the available evidence is currently insufficient to determine the role of this variant in disease. Therefore, it has been classified as a Variant of Uncertain Significance.

Eurofins Ntd Llc (ga)
Classification: Uncertain significance. Last evaluated: 2017-11-15. Review status: criteria provided, single submitter. Criteria: EGL Classification Definitions 2015. Collection method: clinical testing. Allele origin: germline. Observed: 1 variant allele, 1 heterozygote.